The following is an entry in ClinVar:

ClinVar aggregate classification (germline): Pathogenic/Likely pathogenic. Review status: criteria provided, multiple submitters, no conflicts (2 of 4 stars). 2 submissions from 2 submitters: Pathogenic (1); Likely pathogenic (1). Last evaluated 2025-02-09.

Conditions:
Osteogenesis imperfecta type I (OI1). Also called: OI, TYPE I; OSTEOGENESIS IMPERFECTA TARDA; OSTEOGENESIS IMPERFECTA WITH BLUE SCLERAE; Osteogenesis imperfecta type 1; Lobstein's Disease; Lobstein disease. Identifiers: Orphanet 216796, Orphanet 666, MedGen C0023931, MONDO:0008146, OMIM 166200. Disease mechanism: loss of function.
COL1A1-related disorder. Also called: COL1A1-related condition; COL1A1- related disease.

Submissions (2):

Labcorp Genetics (formerly Invitae), Labcorp
Classification: Pathogenic for Osteogenesis imperfecta type I. Last evaluated: 2025-02-09. Review status: criteria provided, single submitter. Criteria: Invitae Variant Classification Sherloc (09022015). Collection method: clinical testing. Allele origin: germline.
Comment: This sequence change replaces glycine, which is neutral and non-polar, with serine, which is neutral and polar, at codon 1145 of the COL1A1 protein (p.Gly1145Ser). This variant is not present in population databases (gnomAD no frequency). This missense change has been observed in individual(s) with osteogenesis imperfecta (internal data). Invitae Evidence Modeling of protein sequence and biophysical properties (such as structural, functional, and spatial information, amino acid conservation, physicochemical variation, residue mobility, and thermodynamic stability) indicates that this missense variant is expected to disrupt COL1A1 protein function with a positive predictive value of 95%. This variant disrupts the triple helix domain of COL1A1. Glycine residues within the Gly-Xaa-Yaa repeats of the triple helix domain are required for the structure and stability of fibrillar collagens (PMID: 7695699, 8218237, 19344236). In COL1A1, variants affecting these glycine residues are significantly enriched in individuals with disease (PMID: 9016532, 17078022) compared to the general population (ExAC). This variant disrupts the p.Gly1145 amino acid residue in COL1A1. Other variant(s) that disrupt this residue have been observed in individuals with COL1A1-related conditions (PMID: 17078022; internal data), which suggests that this may be a clinically significant amino acid residue. For these reasons, this variant has been classified as Pathogenic.

PreventionGenetics, part of Exact Sciences
Classification: Likely pathogenic for COL1A1-related condition. Last evaluated: 2025-01-29. Review status: criteria provided, single submitter. Criteria: ACMG Guidelines, 2015. Collection method: clinical testing. Allele origin: germline.
Comment: The COL1A1 c.3433G>A variant is predicted to result in the amino acid substitution p.Gly1145Ser. To our knowledge, this variant has not been reported in the literature or in a large population database (gnomAD), indicating this variant is rare. This variant is located in the conserved Gly-Xaa-Yaa triple helical domain where glycine substitutions are usually pathogenic (Residues 179-1192; legacy nomenclature in Marini et al. 2007. PubMed ID: 17078022 indicates amino acids 1-1012; Symoens et al. 2014. PubMed ID: 25146735). Alternate nucleotide changes affecting the same amino acid (p.Gly1145Cys and p.Gly1145Asp) have been reported in individuals affected with COL1A1-related disorders (Marini et al. 2007. PubMed ID: 17078022). Taken together, this variant is interpreted as likely pathogenic.

Literature cited by the submitters: PubMed 7695699 (cited by Labcorp Genetics (formerly Invitae), Labcorp); PubMed 8218237 (cited by Labcorp Genetics (formerly Invitae), Labcorp); PubMed 19344236 (cited by Labcorp Genetics (formerly Invitae), Labcorp); PubMed 9016532 (cited by Labcorp Genetics (formerly Invitae), Labcorp); PubMed 17078022 (cited by Labcorp Genetics (formerly Invitae), Labcorp).

NM_000088.4(COL1A1):c.3433G>A (p.Gly1145Ser)

Gene: COL1A1 (collagen type I alpha 1 chain; minus strand). Cytogenetic location: 17q21.33.
Variant type: single nucleotide variant.
Coding change: c.3433G>A on transcript NM_000088.4 (MANE Select); coding-DNA position 3433, G replaced by A.
Protein change: p.Gly1145Ser; replaces glycine 1145 with serine.
Molecular consequence: missense variant.
Genome position (GRCh38, 1-based): chr17:50,187,113, C>T on the plus strand (G>A on the coding strand, the complement: COL1A1 is on the minus strand). VCF-style: chr17-50187113-C-T. GRCh37 (hg19) VCF-style: chr17-48264474-C-T.
Other names: short protein forms G1145S.
Identifiers: ClinVar variation 4800884 (VCV004800884.2).